The following is an entry in ClinVar:

NM_005535.3(IL12RB1):c.607A>T (p.Asn203Tyr)

Gene: IL12RB1 (interleukin 12 receptor subunit beta 1; minus strand). Cytogenetic location: 19p13.11.
Variant type: single nucleotide variant.
Coding change: c.607A>T on transcript NM_005535.3 (MANE Select); coding-DNA position 607, A replaced by T.
Protein change: p.Asn203Tyr; replaces asparagine 203 with tyrosine.
Molecular consequence: missense variant.
Genome position (GRCh38, 1-based): chr19:18,075,842, T>A on the plus strand (A>T on the coding strand, the complement: IL12RB1 is on the minus strand). VCF-style: chr19-18075842-T-A. GRCh37 (hg19) VCF-style: chr19-18186652-T-A.
Other names: c.607A>T, p.Asn203Tyr (NM_001290023.2, NM_153701.3); c.727A>T, p.Asn243Tyr (NM_001290024.2); short protein forms N203Y, N243Y.
Identifiers: ClinVar variation 1052252 (VCV001052252.6), dbSNP rs762860353, ClinGen allele CA9305137.

ClinVar aggregate classification (germline): Uncertain significance (1 of 4 stars; one submission).

Conditions:
Mendelian susceptibility to mycobacterial diseases due to complete IL12RB1 deficiency. Also called: IL12RB1 DEFICIENCY; Immunodeficiency 30. Identifiers: Orphanet 319552, MedGen C4013949, MONDO:0013955, OMIM 614891.

Allele frequency attached by ClinVar (database versions not stated): gnomAD 0.00001; ExAC 0.00002; gnomAD exomes below 0.00001 and 0.00002; TOPMed 0.00001.
gnomAD v4.1: 7 of 1,613,270 alleles (0.00043%); highest among the groups gnomAD compares: East Asian, 0.0089%; no homozygotes.

Submission:

Labcorp Genetics (formerly Invitae), Labcorp
Classification: Uncertain significance for Mendelian susceptibility to mycobacterial diseases due to complete IL12RB1 deficiency. Last evaluated: 2022-09-13. Review status: criteria provided, single submitter. Criteria: Invitae Variant Classification Sherloc (09022015). Collection method: clinical testing. Allele origin: germline.
Comment: This sequence change replaces asparagine, which is neutral and polar, with tyrosine, which is neutral and polar, at codon 203 of the IL12RB1 protein (p.Asn203Tyr). This variant is present in population databases (rs762860353, gnomAD 0.03%). This variant has not been reported in the literature in individuals affected with IL12RB1-related conditions. ClinVar contains an entry for this variant (Variation ID: 1052252). Advanced modeling of protein sequence and biophysical properties (such as structural, functional, and spatial information, amino acid conservation, physicochemical variation, residue mobility, and thermodynamic stability) performed at Invitae indicates that this missense variant is not expected to disrupt IL12RB1 protein function. Algorithms developed to predict the effect of sequence changes on RNA splicing suggest that this variant may create or strengthen a splice site. In summary, the available evidence is currently insufficient to determine the role of this variant in disease. Therefore, it has been classified as a Variant of Uncertain Significance.